The following is an entry in ClinVar:

ClinVar aggregate classification (germline): Conflicting classifications of pathogenicity. Review status: criteria provided, conflicting classifications (1 of 4 stars). 6 submissions from 6 submitters: Uncertain significance (1); Likely benign (4). 1 of the submissions does not count toward it. Last evaluated 2026-02-01.

Conditions:
GAA-related disorder. Also called: GAA-related condition.
Glycogen storage disease, type II (IOPD). Also called: POMPE DISEASE, INFANTILE-ONSET; GLYCOGEN STORAGE DISEASE II, INFANTILE-ONSET; ACID ALPHA-GLUCOSIDASE DEFICIENCY, INFANTILE-ONSET; GAA DEFICIENCY, INFANTILE-ONSET; ACID MALTASE DEFICIENCY, INFANTILE-ONSET; CARDIOMEGALIA GLYCOGENICA DIFFUSA. Identifiers: Orphanet 365, MedGen C0017921, MONDO:0009290, OMIM 232300.

Allele frequency attached by ClinVar (database versions not stated): ExAC 0.00019; TOPMed 0.00021; gnomAD exomes 0.00023; gnomAD 0.00024; ESP Exome Variant Server 0.00069.

Submissions (6):

Labcorp Genetics (formerly Invitae), Labcorp
Classification: Likely benign for Glycogen storage disease, type II. Last evaluated: 2026-02-01. Review status: criteria provided, single submitter. Criteria: Invitae Variant Classification Sherloc (09022015). Collection method: clinical testing. Allele origin: germline.

Women's Health and Genetics/Laboratory Corporation of America, LabCorp
Classification: Likely benign. Last evaluated: 2024-12-12. Review status: criteria provided, single submitter. Criteria: LabCorp Variant Classification Summary - May 2015. Collection method: clinical testing. Allele origin: germline.

Blueprint Genetics
Classification: Likely benign. Last evaluated: 2024-11-11. Review status: criteria provided, single submitter. Criteria: ACMG Guidelines, 2015. Collection method: clinical testing. Allele origin: germline.

GeneDx
Classification: Likely benign. Last evaluated: 2018-06-25. Review status: criteria provided, single submitter. Criteria: GeneDx Variant Classification Process June 2021. Collection method: clinical testing. Allele origin: germline. Affected: yes.

Illumina Laboratory Services, Illumina
Classification: Uncertain significance for Glycogen storage disease, type II. Last evaluated: 2017-04-28. Review status: criteria provided, single submitter. Criteria: ICSL Variant Classification Criteria 13 December 2019. Collection method: clinical testing. Allele origin: germline.

PreventionGenetics, part of Exact Sciences
Classification: Likely benign for GAA-related condition. Last evaluated: 2022-06-22. Review status: no assertion criteria provided. Collection method: clinical testing. Allele origin: germline. Not counted in ClinVar's aggregate classification.
Comment: This variant is classified as likely benign based on ACMG/AMP sequence variant interpretation guidelines (Richards et al. 2015 PMID: 25741868, with internal and published modifications).

NM_000152.5(GAA):c.1552-14C>T

Gene: GAA (alpha glucosidase; plus strand). Cytogenetic location: 17q25.3.
Variant type: single nucleotide variant.
Coding change: c.1552-14C>T on transcript NM_000152.5 (MANE Select); 14 bases into the intron before coding-DNA position 1552, C replaced by T.
Molecular consequence: intron variant.
Genome position (GRCh38, 1-based): chr17:80,110,927, C>T. VCF-style: chr17-80110927-C-T. GRCh37 (hg19) VCF-style: chr17-78084726-C-T.
Other names: c.1552-14C>T (NM_000152.4, LRG_673t1, NM_001079803.3 and 1 more transcripts).
Identifiers: ClinVar variation 506367 (VCV000506367.18), dbSNP rs199715011, ClinGen allele CA8815381.